The following is an entry in ClinVar:

NM_014804.3(KIAA0753):c.476A>C (p.His159Pro)

Gene: KIAA0753 (KIAA0753; minus strand). Cytogenetic location: 17p13.1.
Variant type: single nucleotide variant.
Coding change: c.476A>C on transcript NM_014804.3 (MANE Select); coding-DNA position 476, A replaced by C.
Protein change: p.His159Pro; replaces histidine 159 with proline.
Molecular consequence: missense variant. On other transcripts: 5 prime UTR variant (1), non-coding transcript variant (3).
Genome position (GRCh38, 1-based): chr17:6,628,359, T>G on the plus strand (A>C on the coding strand, the complement: KIAA0753 is on the minus strand). VCF-style: chr17-6628359-T-G. GRCh37 (hg19) VCF-style: chr17-6531679-T-G.
Other names: c.-759A>C (NM_001351225.2); short protein forms H159P.
Identifiers: ClinVar variation 768827 (VCV000768827.14), dbSNP rs78453634, ClinGen allele CA8330762.

ClinVar aggregate classification (germline): Benign. Review status: criteria provided, multiple submitters, no conflicts (2 of 4 stars). 4 submissions from 4 submitters: Benign (3). 1 of the submissions does not count toward it. Last evaluated 2026-02-01.

Conditions:
KIAA0753-related disorder.

Allele frequency attached by ClinVar (database versions not stated): ExAC 0.00658; 1000 Genomes Project 0.02356; gnomAD exomes 0.00210 and 0.00521; ESP Exome Variant Server 0.02078; gnomAD 0.02226 and 0.02071; 1000 Genomes Project 30x 0.02545; TOPMed 0.02407.

Submissions (4):

Labcorp Genetics (formerly Invitae), Labcorp
Classification: Benign. Last evaluated: 2026-02-01. Review status: criteria provided, single submitter. Criteria: Invitae Variant Classification Sherloc (09022015). Collection method: clinical testing. Allele origin: germline.

GeneDx
Classification: Benign. Last evaluated: 2019-12-05. Review status: criteria provided, single submitter. Criteria: GeneDx Variant Classification Process June 2021. Collection method: clinical testing. Allele origin: germline. Affected: yes.

Breakthrough Genomics
Classification: Benign. Review status: criteria provided, single submitter. Criteria: ACMG Guidelines, 2015. Collection method: not provided. Allele origin: germline. Inheritance: Autosomal recessive inheritance. Affected: yes.

PreventionGenetics, part of Exact Sciences
Classification: Benign for KIAA0753-related condition. Last evaluated: 2020-01-02. Review status: no assertion criteria provided. Collection method: clinical testing. Allele origin: germline. Not counted in ClinVar's aggregate classification.
Comment: This variant is classified as benign based on ACMG/AMP sequence variant interpretation guidelines (Richards et al. 2015 PMID: 25741868, with internal and published modifications).